The following is an entry in ClinVar:

NM_001029883.3(PCARE):c.*1425C>T

Gene: PCARE (photoreceptor cilium actin regulator; minus strand). Cytogenetic location: 2p23.2.
Variant type: single nucleotide variant.
Coding change: c.*1425C>T on transcript NM_001029883.3 (MANE Select); 1425 bases downstream of the stop codon, C replaced by T.
Molecular consequence: 3 prime UTR variant.
Genome position (GRCh38, 1-based): chr2:29,063,444, G>A on the plus strand (C>T on the coding strand, the complement: PCARE is on the minus strand). VCF-style: chr2-29063444-G-A. GRCh37 (hg19) VCF-style: chr2-29286310-G-A.
Identifiers: ClinVar variation 335604 (VCV000335604.36), dbSNP rs114274497, ClinGen allele CA10613095.

ClinVar aggregate classification (germline): Conflicting classifications of pathogenicity. Review status: criteria provided, conflicting classifications (1 of 4 stars). 2 submissions from 2 submitters: Uncertain significance (1); Benign (1). Last evaluated 2023-04-01.

Conditions:
Retinitis pigmentosa (RP). Identifiers: Orphanet 791, MedGen C0035334, MeSH D012174, MONDO:0019200, OMIM 268000. Inheritance: Autosomal dominant, autosomal recessive and X linked inheritance.

Allele frequency attached by ClinVar (database versions not stated): 1000 Genomes Project 30x 0.00203; 1000 Genomes Project 0.00240; gnomAD exomes 0.00493; TOPMed 0.00584; gnomAD 0.00656 and 0.00675.
gnomAD v4.1: 988 of 152,728 alleles (0.65%); highest among the groups gnomAD compares: Non-Finnish European, 1.1%; 6 homozygotes.

Submissions (2):

CeGaT Center for Human Genetics Tuebingen
Classification: Benign. Last evaluated: 2023-04-01. Review status: criteria provided, single submitter. Criteria: CeGaT Center For Human Genetics Tuebingen Variant Classification Criteria Version 2. Collection method: clinical testing. Allele origin: germline. Affected: yes. Observed: 4 variant alleles.
Comment: PCARE: BS1, BS2

Illumina Laboratory Services, Illumina
Classification: Uncertain significance for Retinitis pigmentosa. Last evaluated: 2018-01-13. Review status: criteria provided, single submitter. Criteria: ICSL Variant Classification Criteria 13 December 2019. Collection method: clinical testing. Allele origin: germline.